The following is an entry in ClinVar:

ClinVar aggregate classification (germline): Likely benign. Review status: criteria provided, multiple submitters, no conflicts (2 of 4 stars). 5 submissions from 5 submitters: Likely benign (5). Last evaluated 2025-12-20.

Conditions:
Fabry disease. Also called: ALPHA-GALACTOSIDASE A DEFICIENCY; ANDERSON-FABRY DISEASE; CERAMIDE TRIHEXOSIDASE DEFICIENCY; GLA DEFICIENCY; HEREDITARY DYSTOPIC LIPIDOSIS; Fabry's disease. Identifiers: Orphanet 324, MedGen C0002986, MONDO:0010526, OMIM 301500, HP:0001071. Disease mechanism: Fabry disease is due to inactivating mutations in the X-linked GLA gene resulting in deficiency of the enzyme Alpha Galactosidase-A., loss of function.

Allele frequency attached by ClinVar (database versions not stated): gnomAD 0.00001 and 0.00003; TOPMed 0.00001; gnomAD exomes 0.00006 and 0.00010; ExAC 0.00007; 1000 Genomes Project 30x 0.00042; 1000 Genomes Project 0.00053.
gnomAD v4.1: 108 of 1,205,251 alleles (0.009%); highest among the groups gnomAD compares: East Asian, 0.32%; no homozygotes.

Submissions (5):

Labcorp Genetics (formerly Invitae), Labcorp
Classification: Likely benign for Fabry disease. Last evaluated: 2025-12-20. Review status: criteria provided, single submitter. Criteria: Invitae Variant Classification Sherloc (09022015). Collection method: clinical testing. Allele origin: germline.

Women's Health and Genetics/Laboratory Corporation of America, LabCorp
Classification: Likely benign. Last evaluated: 2024-12-12. Review status: criteria provided, single submitter. Criteria: LabCorp Variant Classification Summary - May 2015. Collection method: clinical testing. Allele origin: germline.

Blueprint Genetics
Classification: Likely benign. Last evaluated: 2024-11-22. Review status: criteria provided, single submitter. Criteria: ACMG Guidelines, 2015. Collection method: clinical testing. Allele origin: germline.

GeneDx
Classification: Likely benign. Last evaluated: 2017-01-12. Review status: criteria provided, single submitter. Criteria: GeneDx Variant Classification (06012015). Collection method: clinical testing. Allele origin: germline. Affected: yes.
Comment: This variant is considered likely benign or benign based on one or more of the following criteria: it is a conservative change, it occurs at a poorly conserved position in the protein, it is predicted to be benign by multiple in silico algorithms, and/or has population frequency not consistent with disease.

Laboratory for Molecular Medicine, Mass General Brigham Personalized Medicine
Classification: Likely benign. Last evaluated: 2012-09-21. Review status: criteria provided, single submitter. Criteria: LMM Criteria. Collection method: clinical testing. Allele origin: germline. Observed: 1 variant allele.
Comment: 801+14C>T in intron 5 of GLA: This variant is not expected to have clinical sign ificance because it is not located within the splice consensus sequence. 801+14 C>T in intron 5 of GLA (allele frequency = n/a)

NM_000169.3(GLA):c.801+14C>T

Genes: GLA (galactosidase alpha; minus strand), RPL36A-HNRNPH2 (RPL36A-HNRNPH2 readthrough; plus strand). Cytogenetic location: Xq22.1.
Variant type: single nucleotide variant.
Coding change: c.801+14C>T on transcript NM_000169.3 (MANE Select); 14 bases into the intron after coding-DNA position 801, C replaced by T.
Molecular consequence: intron variant.
Genome position (GRCh38, 1-based): chrX:101,398,771, G>A on the plus strand (C>T on the coding strand, the complement: GLA is on the minus strand). VCF-style: chrX-101398771-G-A. GRCh37 (hg19) VCF-style: chrX-100653759-G-A.
Other names: c.300+3314G>A (NM_001199973.2); c.177+6949G>A (NM_001199974.2); c.924+14C>T (NM_001406747.1); c.801+14C>T (NM_001406748.1).
Identifiers: ClinVar variation 42463 (VCV000042463.15), dbSNP rs200744672, ClinGen allele CA022068.